The following is an entry in ClinVar:

NM_014043.4(CHMP2B):c.321+5G>T

Gene: CHMP2B (charged multivesicular body protein 2B; plus strand). Cytogenetic location: 3p11.2.
Variant type: single nucleotide variant.
Coding change: c.321+5G>T on transcript NM_014043.4 (MANE Select); 5 bases into the intron after coding-DNA position 321, G replaced by T.
Molecular consequence: intron variant.
Genome position (GRCh38, 1-based): chr3:87,245,913, G>T. VCF-style: chr3-87245913-G-T. GRCh37 (hg19) VCF-style: chr3-87295063-G-T.
Other names: c.417+5G>T (NM_001410777.1); c.198+5G>T (NM_001244644.2).
Identifiers: ClinVar variation 4787016 (VCV004787016.1).

ClinVar aggregate classification (germline): Uncertain significance (1 of 4 stars; one submission).

Conditions:
Frontotemporal dementia and/or amyotrophic lateral sclerosis 7 (FTDALS7). Also called: CHMP2B-Related Frontotemporal Dementia-Amyotrophic Lateral Sclerosis; AMYOTROPHIC LATERAL SCLEROSIS, CHMP2B-RELATED; Amyotrophic lateral sclerosis 17; CHMP2B-related frontotemporal dementia. Identifiers: Orphanet 275864, Orphanet 282, Orphanet 803, MedGen C1833296, MONDO:0010936, OMIM 600795.

Submission:

Labcorp Genetics (formerly Invitae), Labcorp
Classification: Uncertain significance for Frontotemporal dementia and/or amyotrophic lateral sclerosis 7. Last evaluated: 2025-12-20. Review status: criteria provided, single submitter. Criteria: Invitae Variant Classification Sherloc (09022015). Collection method: clinical testing. Allele origin: germline.
Comment: This sequence change falls in intron 3 of the CHMP2B gene. It does not directly change the encoded amino acid sequence of the CHMP2B protein. It affects a nucleotide within the consensus splice site. This variant is not present in population databases (gnomAD no frequency). This variant has not been reported in the literature in individuals affected with CHMP2B-related conditions. Variants that disrupt the consensus splice site are a relatively common cause of aberrant splicing (PMID: 17576681, 9536098). Algorithms developed to predict the effect of sequence changes on RNA splicing suggest that this variant may disrupt the consensus splice site. In summary, the available evidence is currently insufficient to determine the role of this variant in disease. Therefore, it has been classified as a Variant of Uncertain Significance.

Literature cited by the submitters: PubMed 17576681; PubMed 9536098.